The following is an entry in ClinVar:

NM_001004334.4(GPR179):c.3434del (p.Ile1145fs)

Gene: GPR179 (G protein-coupled receptor 179; minus strand). Cytogenetic location: 17q12.
Variant type: Deletion.
Coding change: c.3434del on transcript NM_001004334.4 (MANE Select); coding-DNA position 3434, one base deleted (T; older notation c.3434delT).
Protein change: p.Ile1145fs; shifts the reading frame from isoleucine 1145.
Molecular consequence: frameshift variant.
Genome position (GRCh38, 1-based): chr17:38,330,135, A deleted on the plus strand (T on the coding strand, the reverse complement: GPR179 is on the minus strand). VCF-style (leftmost placement, unchanged base first): chr17-38330134-GA-G. GRCh37 (hg19) VCF-style: chr17-36486017-GA-G.
Other names: short protein forms I1145fs.
Identifiers: ClinVar variation 1924628 (VCV001924628.3), dbSNP rs771804966, ClinGen allele CA290105107.

ClinVar aggregate classification (germline): Uncertain significance (1 of 4 stars; one submission).

Allele frequency attached by ClinVar (database versions not stated): gnomAD exomes below 0.00001; ExAC 0.00001; gnomAD 0.00003; TOPMed 0.00005.

Submission:

Labcorp Genetics (formerly Invitae), Labcorp
Classification: Uncertain significance. Last evaluated: 2025-12-15. Review status: criteria provided, single submitter. Criteria: Invitae Variant Classification Sherloc (09022015). Collection method: clinical testing. Allele origin: germline.
Comment: This sequence change creates a premature translational stop signal (p.Ile1145Thrfs*39) in the GPR179 gene. While this is not anticipated to result in nonsense mediated decay, it is expected to disrupt the last 1223 amino acid(s) of the GPR179 protein. This variant is present in population databases (rs771804966, gnomAD 0.02%). This variant has not been reported in the literature in individuals affected with GPR179-related conditions. ClinVar contains an entry for this variant (Variation ID: 1924628). Experimental studies and prediction algorithms are not available or were not evaluated, and the functional significance of this variant is currently unknown. In summary, the available evidence is currently insufficient to determine the role of this variant in disease. Therefore, it has been classified as a Variant of Uncertain Significance.